The following is an entry in ClinVar:

ClinVar aggregate classification (germline): Pathogenic (1 of 4 stars; one submission).

Submission:

Labcorp Genetics (formerly Invitae), Labcorp
Classification: Pathogenic. Last evaluated: 2024-08-02. Review status: criteria provided, single submitter. Criteria: Invitae Variant Classification Sherloc (09022015). Collection method: clinical testing. Allele origin: germline.
Comment: This sequence change creates a premature translational stop signal (p.Leu45Thrfs*5) in the NFKB1 gene. It is expected to result in an absent or disrupted protein product. Loss-of-function variants in NFKB1 are known to be pathogenic (PMID: 26279205, 29477724). This variant is not present in population databases (gnomAD no frequency). This variant has not been reported in the literature in individuals affected with NFKB1-related conditions. For these reasons, this variant has been classified as Pathogenic.

Literature cited by the submitters: PubMed 26279205; PubMed 29477724.

NM_003998.4(NFKB1):c.130_131dup (p.Leu45fs)

Gene: NFKB1 (nuclear factor kappa B subunit 1; plus strand). Cytogenetic location: 4q24.
Variant type: Duplication.
Coding change: c.130_131dup on transcript NM_003998.4 (MANE Select); coding-DNA positions 130 to 131, 2 bases duplicated (TA; older notation c.130_131dupTA).
Protein change: p.Leu45fs; shifts the reading frame from leucine 45.
Molecular consequence: frameshift variant.
Genome position (GRCh38, 1-based): chr4:102,533,856-102,533,857, TA duplicated; duplicating any 2 consecutive bases within chr4:102,533,855-102,533,857 gives the same sequence; the c. name uses the placement nearest the transcript's 3' end. VCF-style (leftmost placement, unchanged base first): chr4-102533854-C-CAT. GRCh37 (hg19) VCF-style: chr4-103455011-C-CAT.
Other names: c.127_128dup, p.Leu44fs (NM_001165412.2, NM_001319226.2, NM_001382627.1); c.130_131dup, p.Leu45fs (NM_001382625.1, NM_001382626.1); c.88_89dup, p.Leu31fs (NM_001382628.1); short protein forms L31fs, L45fs, L44fs.
Identifiers: ClinVar variation 3661280 (VCV003661280.2).